The following is an entry in ClinVar:

ClinVar aggregate classification (germline): Likely benign. Review status: criteria provided, multiple submitters, no conflicts (2 of 4 stars). 2 submissions from 2 submitters: Likely benign (2). Last evaluated 2024-10-24.

Conditions:
Early-infantile DEE. Also called: Ohtahara syndrome; Early infantile epileptic encephalopathy with suppression bursts; Early infantile epileptic encephalopathy. Identifiers: Orphanet 1934, MedGen C0393706, MONDO:0800491.

Allele frequency attached by ClinVar (database versions not stated): gnomAD 0.00001; gnomAD exomes 0.00002; TOPMed 0.00002; ExAC 0.00003.
gnomAD v4.1: 21 of 1,611,010 alleles (0.0013%); highest among the groups gnomAD compares: Admixed American, 0.0083%; no homozygotes.

Submissions (2):

Labcorp Genetics (formerly Invitae), Labcorp
Classification: Likely benign for Early-infantile DEE. Last evaluated: 2024-10-24. Review status: criteria provided, single submitter. Criteria: Invitae Variant Classification Sherloc (09022015). Collection method: clinical testing. Allele origin: germline.

GeneDx
Classification: Likely benign. Last evaluated: 2017-06-22. Review status: criteria provided, single submitter. Criteria: GeneDx Variant Classification (06012015). Collection method: clinical testing. Allele origin: germline. Affected: yes.
Comment: This variant is considered likely benign or benign based on one or more of the following criteria: it is a conservative change, it occurs at a poorly conserved position in the protein, it is predicted to be benign by multiple in silico algorithms, and/or has population frequency not consistent with disease.

NM_172107.4(KCNQ2):c.387+9C>T

Gene: KCNQ2 (potassium voltage-gated channel subfamily Q member 2; minus strand). Cytogenetic location: 20q13.33.
Variant type: single nucleotide variant.
Coding change: c.387+9C>T on transcript NM_172107.4 (MANE Select); 9 bases into the intron after coding-DNA position 387, C replaced by T.
Molecular consequence: intron variant.
Genome position (GRCh38, 1-based): chr20:63,446,738, G>A on the plus strand (C>T on the coding strand, the complement: KCNQ2 is on the minus strand). VCF-style: chr20-63446738-G-A. GRCh37 (hg19) VCF-style: chr20-62078091-G-A.
Other names: c.387+9C>T (NM_004518.6, NM_172108.5, NM_172106.3 and 1 more transcripts).
Identifiers: ClinVar variation 339337 (VCV000339337.10), dbSNP rs751969586, ClinGen allele CA9958850.